The following is an entry in ClinVar:

ClinVar aggregate classification (germline): Uncertain significance. Review status: criteria provided, multiple submitters, no conflicts (2 of 4 stars). 2 submissions from 2 submitters: Uncertain significance (2). Last evaluated 2025-12-20.

Conditions:
Nephronophthisis 9 (NPHP9). Identifiers: Orphanet 655, MedGen C3151188, MONDO:0013444, OMIM 613824.
Renal-hepatic-pancreatic dysplasia 2 (RHPD2). Identifiers: MedGen C3809434, MONDO:0014174, OMIM 615415.
Polycystic kidney disease 8. Identifiers: MedGen C5935640, MONDO:0971178, OMIM 620903.

Allele frequency attached by ClinVar (database versions not stated): gnomAD 0.00001; ExAC 0.00002; gnomAD exomes 0.00002; TOPMed 0.00003.

Submissions (2):

Labcorp Genetics (formerly Invitae), Labcorp
Classification: Uncertain significance for Nephronophthisis 9. Last evaluated: 2025-12-20. Review status: criteria provided, single submitter. Criteria: Invitae Variant Classification Sherloc (09022015). Collection method: clinical testing. Allele origin: germline.
Comment: This sequence change replaces alanine, which is neutral and non-polar, with valine, which is neutral and non-polar, at codon 439 of the NEK8 protein (p.Ala439Val). This variant is present in population databases (rs751886209, gnomAD 0.0009%). This variant has not been reported in the literature in individuals affected with NEK8-related conditions. ClinVar contains an entry for this variant (Variation ID: 2068960). An algorithm developed to predict the effect of missense changes on protein structure and function (PolyPhen-2) suggests that this variant is likely to be disruptive. In summary, the available evidence is currently insufficient to determine the role of this variant in disease. Therefore, it has been classified as a Variant of Uncertain Significance.

Fulgent Genetics
Classification: Uncertain significance for Nephronophthisis 9; Renal-hepatic-pancreatic dysplasia 2; Polycystic kidney disease 8. Last evaluated: 2024-01-23. Review status: criteria provided, single submitter. Criteria: ACMG Guidelines, 2015. Collection method: clinical testing. Allele origin: germline.

NM_178170.3(NEK8):c.1316C>T (p.Ala439Val)

Gene: NEK8 (NIMA related kinase 8; plus strand). Cytogenetic location: 17q11.2.
Variant type: single nucleotide variant.
Coding change: c.1316C>T on transcript NM_178170.3 (MANE Select); coding-DNA position 1316, C replaced by T.
Protein change: p.Ala439Val; replaces alanine 439 with valine.
Molecular consequence: missense variant.
Genome position (GRCh38, 1-based): chr17:28,739,100, C>T. VCF-style: chr17-28739100-C-T. GRCh37 (hg19) VCF-style: chr17-27066118-C-T.
Other names: short protein forms A439V.
Identifiers: ClinVar variation 2068960 (VCV002068960.4), dbSNP rs751886209, ClinGen allele CA8467400.